The following is an entry in ClinVar:

ClinVar aggregate classification (germline): Benign. Review status: criteria provided, multiple submitters, no conflicts (2 of 4 stars). 2 submissions from 2 submitters: Benign (2). Last evaluated 2018-01-13.

Conditions:
Dilated cardiomyopathy 1DD (CMD1DD). Identifiers: Orphanet 154, MedGen C2750995, MONDO:0013168, OMIM 613172.

Allele frequency attached by ClinVar (database versions not stated): gnomAD 0.08970; TOPMed 0.10878; 1000 Genomes Project 30x 0.13492; 1000 Genomes Project 0.14038.

Submissions (2):

Illumina Laboratory Services, Illumina
Classification: Benign for Dilated cardiomyopathy 1DD. Last evaluated: 2018-01-13. Review status: criteria provided, single submitter. Criteria: ICSL Variant Classification Criteria 13 December 2019. Collection method: clinical testing. Allele origin: germline.
Comment: This variant was observed in the ICSL laboratory as part of a predisposition screen in an ostensibly healthy population. It had not been previously curated by ICSL or reported in the Human Gene Mutation Database (HGMD: prior to June 1st, 2018), and was therefore a candidate for classification through an automated scoring system. Utilizing variant allele frequency, disease prevalence and penetrance estimates, and inheritance mode, an automated score was calculated to assess if this variant is too frequent to cause the disease. Based on the score and internal cut-off values, a variant classified as benign is not then subjected to further curation. The score for this variant resulted in a classification of benign for this disease.

Breakthrough Genomics
Classification: Benign. Review status: criteria provided, single submitter. Criteria: ACMG Guidelines, 2015. Collection method: not provided. Allele origin: germline. Inheritance: Autosomal dominant inheritance. Affected: yes.

NM_001134363.3(RBM20):c.*2866C>T

Gene: RBM20 (RNA binding motif protein 20; plus strand). Cytogenetic location: 10q25.2.
Variant type: single nucleotide variant.
Coding change: c.*2866C>T on transcript NM_001134363.3 (MANE Select); 2866 bases downstream of the stop codon, C replaced by T.
Molecular consequence: 3 prime UTR variant.
Genome position (GRCh38, 1-based): chr10:110,838,844, C>T. VCF-style: chr10-110838844-C-T. GRCh37 (hg19) VCF-style: chr10-112598602-C-T.
Other names: c.*2866C>T (LRG_382t1).
Identifiers: ClinVar variation 298850 (VCV000298850.6), dbSNP rs12260847, ClinGen allele CA10634941.